The following is an entry in ClinVar:

NM_001822.7(CHN1):c.*668T>C

Gene: CHN1 (chimerin 1; minus strand). Cytogenetic location: 2q31.1.
Variant type: single nucleotide variant.
Coding change: c.*668T>C on transcript NM_001822.7 (MANE Select); 668 bases downstream of the stop codon, T replaced by C.
Molecular consequence: 3 prime UTR variant. On other transcripts: non-coding transcript variant (1).
Genome position (GRCh38, 1-based): chr2:174,799,448, A>G on the plus strand (T>C on the coding strand, the complement: CHN1 is on the minus strand). VCF-style: chr2-174799448-A-G. GRCh37 (hg19) VCF-style: chr2-175664176-A-G.
Other names: c.*668T>C (NM_001025201.4, NM_001206602.2, NM_001371513.1 and 1 more transcripts).
Identifiers: ClinVar variation 332456 (VCV000332456.5), dbSNP rs369718610, ClinGen allele CA10613077.

ClinVar aggregate classification (germline): Likely benign (1 of 4 stars; one submission).

Conditions:
Duane retraction syndrome 2. Identifiers: Orphanet 233, MedGen C0751083, MONDO:0011444, OMIM 604356.

Allele frequency attached by ClinVar (database versions not stated): gnomAD exomes 0.00004; 1000 Genomes Project 0.00040; 1000 Genomes Project 30x 0.00047.
gnomAD v4.1: 13 of 467,774 alleles (0.0028%); highest among the groups gnomAD compares: East Asian, 0.032%; no homozygotes.

Submission:

Illumina Laboratory Services, Illumina
Classification: Likely benign for Duane retraction syndrome 2. Last evaluated: 2018-01-13. Review status: criteria provided, single submitter. Criteria: ICSL Variant Classification Criteria 13 December 2019. Collection method: clinical testing. Allele origin: germline.
Comment: This variant was observed in the ICSL laboratory as part of a predisposition screen in an ostensibly healthy population. It had not been previously curated by ICSL or reported in the Human Gene Mutation Database (HGMD: prior to June 1st, 2018), and was therefore a candidate for classification through an automated scoring system. Utilizing variant allele frequency, disease prevalence and penetrance estimates, and inheritance mode, an automated score was calculated to assess if this variant is too frequent to cause the disease. Based on the score and internal cut-off values, a variant classified as likely benign is not then subjected to further curation. The score for this variant resulted in a classification of likely benign for this disease.